The following is an entry in ClinVar:

ClinVar aggregate classification (germline): Benign. Review status: criteria provided, multiple submitters, no conflicts (2 of 4 stars). 9 submissions from 9 submitters: Benign (7). 2 of the submissions do not count toward it. Last evaluated 2026-02-04.

Conditions:
Fraser syndrome 1 (FRASRS1). Also called: CRYPTOPHTHALMOS WITH OTHER MALFORMATIONS. Identifiers: Orphanet 2052, MedGen C4551480, MONDO:0054737, OMIM 219000.

Allele frequency attached by ClinVar (database versions not stated): gnomAD exomes 0.40648 and 0.44755; ExAC 0.45626; ESP Exome Variant Server 0.48742; gnomAD 0.50019 and 0.50277; TOPMed 0.51172; 1000 Genomes Project 0.55152; 1000 Genomes Project 30x 0.55668.
gnomAD v4.1: 665,393 of 1,597,640 alleles (42%); highest among the groups gnomAD compares: African/African-American, 69%; 144,182 homozygotes.

Submissions (9):

Labcorp Genetics (formerly Invitae), Labcorp
Classification: Benign. Last evaluated: 2026-02-04. Review status: criteria provided, single submitter. Criteria: Invitae Variant Classification Sherloc (09022015). Collection method: clinical testing. Allele origin: germline.

Blueprint Genetics
Classification: Benign. Last evaluated: 2024-11-26. Review status: criteria provided, single submitter. Criteria: ACMG Guidelines, 2015. Collection method: clinical testing. Allele origin: germline.

Mayo Clinic Laboratories, Mayo Clinic
Classification: Benign. Last evaluated: 2022-03-09. Review status: criteria provided, single submitter. Criteria: ACMG Guidelines, 2015. Collection method: clinical testing. Allele origin: germline. Observed: 52 variant alleles.

Genome-Nilou Lab
Classification: Benign for Fraser syndrome 1. Last evaluated: 2021-08-10. Review status: criteria provided, single submitter. Criteria: ACMG Guidelines, 2015. Collection method: clinical testing. Allele origin: germline. Affected: no.

Illumina Laboratory Services, Illumina
Classification: Benign for Fraser syndrome 1. Last evaluated: 2018-01-13. Review status: criteria provided, single submitter. Criteria: ICSL Variant Classification Criteria 13 December 2019. Collection method: clinical testing. Allele origin: germline.
Comment: This variant was observed in the ICSL laboratory as part of a predisposition screen in an ostensibly healthy population. It had not been previously curated by ICSL or reported in the Human Gene Mutation Database (HGMD: prior to June 1st, 2018), and was therefore a candidate for classification through an automated scoring system. Utilizing variant allele frequency, disease prevalence and penetrance estimates, and inheritance mode, an automated score was calculated to assess if this variant is too frequent to cause the disease. Based on the score and internal cut-off values, a variant classified as benign is not then subjected to further curation. The score for this variant resulted in a classification of benign for this disease.

Breakthrough Genomics
Classification: Benign. Review status: criteria provided, single submitter. Criteria: ACMG Guidelines, 2015. Collection method: not provided. Allele origin: germline. Inheritance: Autosomal recessive inheritance. Affected: yes.

PreventionGenetics, part of Exact Sciences
Classification: Benign. Review status: criteria provided, single submitter. Criteria: ACMG Guidelines, 2015. Collection method: clinical testing. Allele origin: germline.

Diagnostic Laboratory, Department of Genetics, University Medical Center Groningen
Classification: Benign for Fraser syndrome 1. Review status: no assertion criteria provided. Collection method: clinical testing. Allele origin: germline. Affected: yes. Study: VKGL Data-share Consensus. Not counted in ClinVar's aggregate classification.

Genome Diagnostics Laboratory, University Medical Center Utrecht
Classification: Benign. Review status: no assertion criteria provided. Collection method: clinical testing. Allele origin: germline. Affected: yes. Study: VKGL Data-share Consensus. Not counted in ClinVar's aggregate classification.

NM_025074.7(FRAS1):c.95A>G (p.Asp32Gly)

Gene: FRAS1 (Fraser extracellular matrix complex subunit 1; plus strand). Cytogenetic location: 4q21.21.
Variant type: single nucleotide variant.
Coding change: c.95A>G on transcript NM_025074.7 (MANE Select); coding-DNA position 95, A replaced by G.
Protein change: p.Asp32Gly; replaces aspartic acid 32 with glycine.
Molecular consequence: missense variant.
Genome position (GRCh38, 1-based): chr4:78,066,003, A>G. VCF-style: chr4-78066003-A-G. GRCh37 (hg19) VCF-style: chr4-78987157-A-G.
Other names: p.Asp32Gly; c.95A>G, p.Asp32Gly (NM_001166133.2); short protein forms D32G.
Identifiers: ClinVar variation 261821 (VCV000261821.18), dbSNP rs4859905, ClinGen allele CA2975818.